The following is an entry in ClinVar:

ClinVar aggregate classification (germline): Conflicting classifications of pathogenicity. Review status: criteria provided, conflicting classifications (1 of 4 stars). 6 submissions from 6 submitters: Uncertain significance (5); Likely benign (1). Last evaluated 2026-06-27.

Conditions:
X-linked Alport syndrome (ATS1). Also called: NEPHROPATHY AND DEAFNESS, X-LINKED; COL4A5-Related Nephropathy. Identifiers: Orphanet 63, Orphanet 88917, MedGen C4746986, MONDO:0010520, OMIM 301050.
Rare disease with thoracic aortic aneurysm and aortic dissection. Identifiers: Orphanet 285014, MedGen C5681014, MONDO:0017311.
COL4A5-related disorder. Also called: COL4A5-related condition.
Inborn genetic diseases. Identifiers: MedGen C0950123, MeSH D030342.

Allele frequency attached by ClinVar (database versions not stated): ExAC below 0.00001; gnomAD 0.00002; gnomAD exomes 0.00002 and 0.00003; TOPMed 0.00002.
gnomAD v4.1: 24 of 1,207,469 alleles (0.002%); highest among the groups gnomAD compares: East Asian, 0.0059%; no homozygotes.

Submissions (6):

PreventionGenetics, part of Exact Sciences
Classification: Uncertain significance for COL4A5-related condition. Last evaluated: 2026-06-27. Review status: criteria provided, single submitter. Criteria: ACMG Guidelines, 2015. Collection method: clinical testing. Allele origin: germline.
Comment: The COL4A5 c.3493G>A variant is predicted to result in the amino acid substitution p.Glu1165Lys. This variant is reported in 0.0075% of alleles in individuals of East Asian descent in gnomAD. At this time, the clinical significance of this variant is uncertain due to the absence of conclusive functional and genetic evidence.

Ambry Genetics
Classification: Uncertain significance for Inborn genetic diseases. Last evaluated: 2024-05-20. Review status: criteria provided, single submitter. Criteria: Ambry Variant Classification Scheme 2023. Collection method: clinical testing. Allele origin: germline.
Comment: The c.3493G>A (p.E1165K) alteration is located in exon 39 (coding exon 39) of the COL4A5 gene. This alteration results from a G to A substitution at nucleotide position 3493, causing the glutamic acid (E) at amino acid position 1165 to be replaced by a lysine (K). Based on data from gnomAD, the A allele has an overall frequency of 0.003% (5/174654) total alleles studied. The highest observed frequency was 0.008% (1/13374) of East Asian alleles. This amino acid position is highly conserved in available vertebrate species. This alteration is predicted to be deleterious by in silico analysis. Based on insufficient or conflicting evidence, the clinical significance of this alteration remains unclear.

Labcorp Genetics (formerly Invitae), Labcorp
Classification: Uncertain significance. Last evaluated: 2023-12-30. Review status: criteria provided, single submitter. Criteria: Invitae Variant Classification Sherloc (09022015). Collection method: clinical testing. Allele origin: germline.
Comment: This sequence change replaces glutamic acid, which is acidic and polar, with lysine, which is basic and polar, at codon 1165 of the COL4A5 protein (p.Glu1165Lys). The frequency data for this variant in the population databases is considered unreliable, as metrics indicate poor data quality at this position in the gnomAD database. This variant has not been reported in the literature in individuals affected with COL4A5-related conditions. ClinVar contains an entry for this variant (Variation ID: 975926). Advanced modeling of protein sequence and biophysical properties (such as structural, functional, and spatial information, amino acid conservation, physicochemical variation, residue mobility, and thermodynamic stability) performed at Invitae indicates that this missense variant is not expected to disrupt COL4A5 protein function with a negative predictive value of 95%. In summary, the available evidence is currently insufficient to determine the role of this variant in disease. Therefore, it has been classified as a Variant of Uncertain Significance.

Petrovsky National Research Centre of Surgery, The Federal Agency for Scientific Organizations
Classification: Uncertain significance for Rare disease with thoracic aortic aneurysm and aortic dissection. Last evaluated: 2023-06-28. Review status: criteria provided, single submitter. Criteria: ACMG Guidelines, 2015. Collection method: clinical testing. Allele origin: germline. Affected: yes.
Comment: This variant is in The Genome Aggregation Database (gnomAD) v2.1.1 with total MAF 0.00002863 (Date of access 28-06-2023). Clinvar contains entry on this variant (Variation ID: 975926). This variant has been reported in several studies with tumor and cultured samples and has confirmed somatic statuses (COSMIC ID: COSV60356642), but has not been reported in any study with germline status to our knowledge. Most in silico predictors are inconclusive in the results. In accordance with ACMG(2015) criteria this variant is classified as Variant of Uncertain Significance (VUS) with following criteria selected: PM2.

GeneDx
Classification: Likely benign. Last evaluated: 2020-08-26. Review status: criteria provided, single submitter. Criteria: GeneDx Variant Classification Process June 2021. Collection method: clinical testing. Allele origin: germline. Affected: yes.

Institute of Human Genetics, University of Leipzig Medical Center
Classification: Uncertain significance for X-linked Alport syndrome. Last evaluated: 2017-09-19. Review status: criteria provided, single submitter. Criteria: ACMG Guidelines, 2015. Collection method: clinical testing. Allele origin: germline. Affected: yes. Observed: 1 variant allele.

NM_033380.3(COL4A5):c.3493G>A (p.Glu1165Lys)

Gene: COL4A5 (collagen type IV alpha 5 chain; plus strand). Cytogenetic location: Xq22.3.
Variant type: single nucleotide variant.
Coding change: c.3493G>A on transcript NM_033380.3 (MANE Select); coding-DNA position 3493, G replaced by A.
Protein change: p.Glu1165Lys; replaces glutamic acid 1165 with lysine.
Molecular consequence: missense variant.
Genome position (GRCh38, 1-based): chrX:108,666,534, G>A. VCF-style: chrX-108666534-G-A. GRCh37 (hg19) VCF-style: chrX-107909764-G-A.
Other names: p.Glu1165Lys; c.3493G>A, p.Glu1165Lys (NM_000495.5); c.3493G>A (NM_000495.3); short protein forms E1165K.
Identifiers: ClinVar variation 975926 (VCV000975926.8), dbSNP rs771538814, ClinGen allele CA10489123.